The following is an entry in ClinVar:

ClinVar aggregate classification (germline): Uncertain significance (1 of 4 stars; one submission).

Conditions:
Leukodystrophy, hypomyelinating, 8, with or without oligodontia and/or hypogonadotropic hypogonadism. Also called: LEUKODYSTROPHY, HYPOMYELINATING, 8, WITH HYPODONTIA AND HYPOGONADOTROPIC HYPOGONADISM; Hypomyelinating leukodystrophy 8 with or without oligodontia and-or hypogonadotropic hypogonadism; Endosteal sclerosis-cerebellar hypoplasia syndrome. Identifiers: Orphanet 85186, Orphanet 88637, MedGen C3280644, MONDO:0013722, OMIM 614381.

Submission:

Laboratory of Medical Genetics, National & Kapodistrian University of Athens
Classification: Uncertain significance for Leukodystrophy, hypomyelinating, 8, with or without oligodontia and/or hypogonadotropic hypogonadism. Last evaluated: 2022-05-11. Review status: criteria provided, single submitter. Criteria: ACMG Guidelines, 2015. Collection method: clinical testing. Allele origin: germline. Affected: yes.
Comment: PM2, PP3

NM_018082.6(POLR3B):c.1263+5G>A

Gene: POLR3B (RNA polymerase III subunit B; plus strand). Cytogenetic location: 12q23.3.
Variant type: single nucleotide variant.
Coding change: c.1263+5G>A on transcript NM_018082.6 (MANE Select); 5 bases into the intron after coding-DNA position 1263, G replaced by A.
Molecular consequence: intron variant.
Genome position (GRCh38, 1-based): chr12:106,427,363, G>A. VCF-style: chr12-106427363-G-A. GRCh37 (hg19) VCF-style: chr12-106821141-G-A.
Other names: c.1089+5G>A (NM_001160708.2).
Identifiers: ClinVar variation 1708100 (VCV001708100.1), dbSNP rs2542104599, ClinGen allele CA2580085740.
Genomic context (GRCh38, chr12:106,427,363, plus strand): 5'-TCAAACACATGCGCCAAGACCAGATCACCAATGGCATGGTGAATGCTATTTCTACCGTAA[G>A]TCTTCAGTCACTCTTTTAGGATTTTGTAATTTATTTGTAAACCTATTCAATAGAACAGAA-3'